The following is an entry in ClinVar:

NM_000545.8(HNF1A):c.944G>C (p.Ser315Thr)

Gene: HNF1A (HNF1 homeobox A; plus strand). Cytogenetic location: 12q24.31.
Variant type: single nucleotide variant.
Coding change: c.944G>C on transcript NM_000545.8 (MANE Select); coding-DNA position 944, G replaced by C.
Protein change: p.Ser315Thr; replaces serine 315 with threonine.
Molecular consequence: missense variant.
Genome position (GRCh38, 1-based): chr12:120,994,394, G>C. VCF-style: chr12-120994394-G-C. GRCh37 (hg19) VCF-style: chr12-121432197-G-C.
Other names: c.944G>C, p.Ser315Thr (NM_001406915.1, NM_001306179.2); short protein forms S315T.
Identifiers: ClinVar variation 1727240 (VCV001727240.1), dbSNP rs1298749678, ClinGen allele CA386966888.

ClinVar aggregate classification (germline): Uncertain risk allele (1 of 4 stars; one submission).

Conditions:
Maturity-onset diabetes of the young (MODY). Also called: Maturity onset diabetes mellitus in young. Identifiers: Orphanet 552, MedGen C0342276, MONDO:0018911, HP:0004904.

Allele frequency attached by ClinVar (database versions not stated): gnomAD 0.00001.
gnomAD v4.1: 1 of 1,590,858 alleles (0.000063%); highest among the groups gnomAD compares: South Asian, 0.0011%; no homozygotes.

Submission:

Clinical Genomics, Uppaluri K&H Personalized Medicine Clinic
Classification: Uncertain risk allele for Maturity-onset diabetes of the young. Review status: criteria provided, single submitter. Criteria: K & H Uppaluri Personalized Medicine Clinic Variant Classification & Assertion Criteria_Updated V.1. Collection method: research. Allele origin: unknown. Inheritance: Autosomal dominant inheritance.
Comment: Mutations in HNF1A gene can predispose to MODY3. It is associated with both micro and macrovascular complications of diabetes, especially cardiovascular complications. Associated with glucosuria. May respond well to sulfonylureas. However, more evidence is required to confer the association of this particular variant rs1298749678 with MODY3.

Literature cited by the submitters: PubMed 31517624; PubMed 32395877; PubMed 35328643; PubMed 35673428.